The following is an entry in ClinVar:

ClinVar aggregate classification (germline): Conflicting classifications of pathogenicity. Review status: criteria provided, conflicting classifications (1 of 4 stars). 11 submissions from 11 submitters: Uncertain significance (7); Benign (1); Likely benign (3). Last evaluated 2025-09-10.

Conditions:
TTN-related disorder. Also called: TTN-related condition; TTN-related disease; TTN-related disorders.
Cardiovascular phenotype. Identifiers: MedGen CN230736.
Autosomal recessive limb-girdle muscular dystrophy type 2J (LGMDR10). Also called: Limb-girdle muscular dystrophy, type 2J; MUSCULAR DYSTROPHY, LIMB-GIRDLE, AUTOSOMAL RECESSIVE 10. Identifiers: Orphanet 140922, MedGen C1837342, MONDO:0012127, OMIM 608807.
Dilated cardiomyopathy 1G (CMD1G). Identifiers: Orphanet 154, MedGen C1858763, MONDO:0011400, OMIM 604145.

Allele frequency attached by ClinVar (database versions not stated): ESP Exome Variant Server 0.00008; TOPMed 0.00009; ExAC 0.00013; gnomAD exomes 0.00013; gnomAD 0.00015; 1000 Genomes Project 0.00040; 1000 Genomes Project 30x 0.00047.
gnomAD v4.1: 205 of 1,613,520 alleles (0.013%); highest among the groups gnomAD compares: Non-Finnish European, 0.015%; no homozygotes.

Submissions (11):

PreventionGenetics, part of Exact Sciences
Classification: Uncertain significance for TTN-related condition. Last evaluated: 2025-09-10. Review status: criteria provided, single submitter. Criteria: ACMG Guidelines, 2015. Collection method: clinical testing. Allele origin: germline.
Comment: The TTN c.104414G>A variant is predicted to result in the amino acid substitution p.Arg34805Gln. This variant, also referred to as p.Arg32237Gln from transcript NM_133378, has been reported in individuals with hypertrophic cardiomyopathy (Martínez-Barrios et al. 2022. PubMed ID: 35207729; Table S1, Campuzano et al. 2015. PubMed ID: 26516846). This variant is reported in 0.033% of alleles in individuals of European (Non-Finnish) descent in gnomAD and has conflicting interpretations regarding its pathogenicity in ClinVar, ranging from benign to uncertain (Variation ID: 203080). Although we suspect that this variant may be benign, at this time, the clinical significance of this variant is uncertain due to the absence of conclusive functional and genetic evidence.

CeGaT Center for Human Genetics Tuebingen
Classification: Uncertain significance. Last evaluated: 2025-06-01. Review status: criteria provided, single submitter. Criteria: CeGaT Center For Human Genetics Tuebingen Variant Classification Criteria Version 2. Collection method: clinical testing. Allele origin: germline. Affected: yes. Observed: 3 variant alleles.
Comment: TTN: PM2, BP4

Blueprint Genetics
Classification: Likely benign. Last evaluated: 2024-09-16. Review status: criteria provided, single submitter. Criteria: ACMG Guidelines, 2015. Collection method: clinical testing. Allele origin: germline.

Revvity Omics, Revvity
Classification: Uncertain significance. Last evaluated: 2024-09-12. Review status: criteria provided, single submitter. Criteria: ACMG Guidelines, 2015. Collection method: clinical testing. Allele origin: germline.

Athena Diagnostics
Classification: Benign. Last evaluated: 2024-06-24. Review status: criteria provided, single submitter. Criteria: Athena Diagnostics Criteria. Collection method: clinical testing. Allele origin: unknown.

Women's Health and Genetics/Laboratory Corporation of America, LabCorp
Classification: Uncertain significance. Last evaluated: 2024-01-16. Review status: criteria provided, single submitter. Criteria: LabCorp Variant Classification Summary - May 2015. Collection method: clinical testing. Allele origin: germline.
Comment: Variant summary: TTN c.96710G>A (p.Arg32237Gln) results in a conservative amino acid change located in the M-band region of the encoded protein sequence. Four of four in-silico tools predict a benign effect of the variant on protein function. The variant allele was found at a frequency of 0.00013 in 247298 control chromosomes. This frequency is not significantly higher than estimated for a pathogenic variant in TTN causing Dilated Cardiomyopathy (0.00013 vs 0.00039), allowing no conclusion about variant significance. To our knowledge, no occurrence of c.96710G>A in individuals affected with Dilated Cardiomyopathy and no experimental evidence demonstrating its impact on protein function have been reported. ClinVar contains an entry for this variant (Variation ID: 203080. VUS, n=4; Benign/likely benign, n=4). Based on the evidence outlined above, the variant was classified as uncertain significance.

Mayo Clinic Laboratories, Mayo Clinic
Classification: Uncertain significance. Last evaluated: 2023-05-17. Review status: criteria provided, single submitter. Criteria: ACMG Guidelines, 2015. Collection method: clinical testing. Allele origin: germline. Observed: 2 variant alleles.
Comment: BP4

Ambry Genetics
Classification: Likely benign for Cardiovascular phenotype. Last evaluated: 2022-02-17. Review status: criteria provided, single submitter. Criteria: Ambry Variant Classification Scheme 2023. Collection method: clinical testing. Allele origin: germline.

GeneDx
Classification: Likely benign. Last evaluated: 2020-12-29. Review status: criteria provided, single submitter. Criteria: GeneDx Variant Classification Process June 2021. Collection method: clinical testing. Allele origin: germline. Affected: yes.

Labcorp Genetics (formerly Invitae), Labcorp
Classification: Uncertain significance for Dilated cardiomyopathy 1G; Autosomal recessive limb-girdle muscular dystrophy type 2J. Last evaluated: 2017-12-22. Review status: criteria provided, single submitter. Criteria: Invitae Variant Classification Sherloc (09022015). Collection method: clinical testing. Allele origin: germline.

Eurofins Ntd Llc (ga)
Classification: Uncertain significance. Last evaluated: 2017-06-02. Review status: criteria provided, single submitter. Criteria: EGL Classification Definitions 2015. Collection method: clinical testing. Allele origin: germline. Observed: 3 variant alleles, 3 heterozygotes.

Literature cited by the submitters: PubMed 35207729 (cited by Athena Diagnostics and Mayo Clinic Laboratories, Mayo Clinic); PubMed 31088516 (cited by Athena Diagnostics); PubMed 26516846 (cited by Athena Diagnostics).

NM_001267550.2(TTN):c.104414G>A (p.Arg34805Gln)

Genes: TTN (titin; minus strand), TTN-AS1 (TTN antisense RNA 1; plus strand). Cytogenetic location: 2q31.2.
Variant type: single nucleotide variant.
Coding change: c.104414G>A on transcript NM_001267550.2 (MANE Select); coding-DNA position 104414, G replaced by A.
Protein change: p.Arg34805Gln; replaces arginine 34805 with glutamine.
Molecular consequence: missense variant.
Genome position (GRCh38, 1-based): chr2:178,532,201, C>T on the plus strand (G>A on the coding strand, the complement: TTN is on the minus strand). VCF-style: chr2-178532201-C-T. GRCh37 (hg19) VCF-style: chr2-179396928-C-T.
Other names: p.R33164Q:CGA>CAA; p.Arg33164Gln; c.99491G>A, p.Arg33164Gln (NM_001256850.1); c.77219G>A, p.Arg25740Gln (NM_003319.4); c.96710G>A, p.Arg32237Gln (NM_133378.4); c.77594G>A, p.Arg25865Gln (NM_133432.3); c.77795G>A, p.Arg25932Gln (NM_133437.4); short protein forms R33164Q, R34805Q, R32237Q, R25740Q, R25932Q, R25865Q.
Identifiers: ClinVar variation 203080 (VCV000203080.65), dbSNP rs115150240, ClinGen allele CA311178.